The following is an entry in ClinVar:

NM_000059.4(BRCA2):c.517-14T>G

Gene: BRCA2 (BRCA2 DNA repair associated; plus strand). Cytogenetic location: 13q13.1.
Variant type: single nucleotide variant.
Coding change: c.517-14T>G on transcript NM_000059.4 (MANE Select); 14 bases into the intron before coding-DNA position 517, T replaced by G.
Molecular consequence: intron variant.
Genome position (GRCh38, 1-based): chr13:32,326,485, T>G. VCF-style: chr13-32326485-T-G. GRCh37 (hg19) VCF-style: chr13-32900622-T-G.
Identifiers: ClinVar variation 2048214 (VCV002048214.5), dbSNP rs1215926483, ClinGen allele CA609453824.

ClinVar aggregate classification (germline): Conflicting classifications of pathogenicity. Review status: criteria provided, conflicting classifications (1 of 4 stars). 2 submissions from 2 submitters: Uncertain significance (1); Likely benign (1). Last evaluated 2025-11-22.

Conditions:
Hereditary cancer-predisposing syndrome. Also called: Hereditary neoplastic syndrome; Neoplastic Syndromes, Hereditary; Tumor predisposition; Hereditary Cancer Syndrome. Identifiers: Orphanet 140162, MedGen C0027672, MeSH D009386, MONDO:0015356.
Hereditary breast ovarian cancer syndrome. Also called: Hereditary breast and ovarian cancer syndrome; Hereditary breast and ovarian cancer syndrome (HBOC); Breast and ovarian cancer; Hereditary breast and ovarian cancer; BRCA1- and BRCA2-Associated Hereditary Breast and Ovarian Cancer; Hereditary breast and/or ovarian cancer syndrome. Identifiers: Orphanet 145, MedGen C0677776, MeSH D061325, MONDO:0003582. Disease mechanism: loss of function.

Allele frequency attached by ClinVar (database versions not stated): gnomAD exomes below 0.00001.
gnomAD v4.1: 1 of 1,572,796 alleles (0.000064%); highest among the groups gnomAD compares: Admixed American, 0.0017%; no homozygotes.

Submissions (2):

Labcorp Genetics (formerly Invitae), Labcorp
Classification: Likely benign for Hereditary breast ovarian cancer syndrome. Last evaluated: 2025-11-22. Review status: criteria provided, single submitter. Criteria: Invitae Variant Classification Sherloc (09022015). Collection method: clinical testing. Allele origin: germline.

Color Diagnostics, LLC DBA Color Health
Classification: Uncertain significance for Hereditary cancer-predisposing syndrome. Last evaluated: 2025-03-25. Review status: criteria provided, single submitter. Criteria: ACMG Guidelines, 2015. Collection method: clinical testing. Allele origin: germline.
Comment: This variant causes a T to G nucleotide substitution at the -14 position of intron 6 of the BRCA2 gene. A splicing prediction algorithm suggests that this variant may weaken the intron 6 splice acceptor site (PMID: 30661751). To our knowledge, functional studies have not been reported for this variant. This variant has not been reported in individuals affected with hereditary cancer in the literature. This variant has been identified in 1/251096 chromosomes in the general population by the Genome Aggregation Database (gnomAD). The available evidence is insufficient to determine the role of this variant in disease conclusively. Therefore, this variant is classified as a Variant of Uncertain Significance.

Literature cited by the submitters: PubMed 30661751 (cited by Color Diagnostics, LLC DBA Color Health).